The following is an entry in ClinVar:

NM_006269.2(RP1):c.6259G>A (p.Val2087Ile)

Gene: RP1 (RP1 axonemal microtubule associated; plus strand). Cytogenetic location: 8q12.1.
Variant type: single nucleotide variant.
Coding change: c.6259G>A on transcript NM_006269.2 (MANE Select); coding-DNA position 6259, G replaced by A.
Protein change: p.Val2087Ile; replaces valine 2087 with isoleucine.
Molecular consequence: missense variant. On other transcripts: intron variant (1).
Genome position (GRCh38, 1-based): chr8:54,630,141, G>A. VCF-style: chr8-54630141-G-A. GRCh37 (hg19) VCF-style: chr8-55542701-G-A.
Other names: c.787+7853G>A (NM_001375654.1); short protein forms V2087I.
Identifiers: ClinVar variation 4778607 (VCV004778607.1).

ClinVar aggregate classification (germline): Uncertain significance (1 of 4 stars; one submission).

gnomAD v4.1: 3 of 1,613,814 alleles (0.00019%); highest among the groups gnomAD compares: Admixed American, 0.005%; no homozygotes.

Submission:

Labcorp Genetics (formerly Invitae), Labcorp
Classification: Uncertain significance. Last evaluated: 2025-05-18. Review status: criteria provided, single submitter. Criteria: Invitae Variant Classification Sherloc (09022015). Collection method: clinical testing. Allele origin: germline.
Comment: This sequence change replaces valine, which is neutral and non-polar, with isoleucine, which is neutral and non-polar, at codon 2087 of the RP1 protein (p.Val2087Ile). This variant is present in population databases (no rsID available, gnomAD 0.006%). This variant has not been reported in the literature in individuals affected with RP1-related conditions. An algorithm developed to predict the effect of missense changes on protein structure and function outputs the following: PolyPhen-2: "Benign". The isoleucine amino acid residue is found in multiple mammalian species, which suggests that this missense change does not adversely affect protein function. In summary, the available evidence is currently insufficient to determine the role of this variant in disease. Therefore, it has been classified as a Variant of Uncertain Significance.